The following is an entry in ClinVar:

ClinVar aggregate classification (germline): Uncertain significance. Review status: criteria provided, multiple submitters, no conflicts (2 of 4 stars). 2 submissions from 2 submitters: Uncertain significance (2). Last evaluated 2024-08-05.

Conditions:
Parathyroid carcinoma (PRTC). Also called: CDC73-Related Parathyroid Carcinoma; Parathyroid gland carcinoma. Identifiers: Orphanet 143, MedGen C0687150, MONDO:0012004, OMIM 608266, HP:0006780.
Hereditary cancer-predisposing syndrome. Also called: Neoplastic Syndromes, Hereditary; Tumor predisposition; Hereditary Cancer Syndrome; Hereditary neoplastic syndrome. Identifiers: Orphanet 140162, MedGen C0027672, MeSH D009386, MONDO:0015356.

Allele frequency attached by ClinVar (database versions not stated): gnomAD exomes below 0.00001.
gnomAD v4.1: 1 of 1,611,390 alleles (0.000062%); highest among the groups gnomAD compares: Non-Finnish European, 0.000085%; no homozygotes.

Submissions (2):

Labcorp Genetics (formerly Invitae), Labcorp
Classification: Uncertain significance for Parathyroid carcinoma. Last evaluated: 2024-08-05. Review status: criteria provided, single submitter. Criteria: Invitae Variant Classification Sherloc (09022015). Collection method: clinical testing. Allele origin: germline.
Comment: This sequence change replaces isoleucine, which is neutral and non-polar, with valine, which is neutral and non-polar, at codon 60 of the CDC73 protein (p.Ile60Val). This variant is not present in population databases (gnomAD no frequency). This variant has not been reported in the literature in individuals affected with CDC73-related conditions. ClinVar contains an entry for this variant (Variation ID: 820075). Advanced modeling of protein sequence and biophysical properties (such as structural, functional, and spatial information, amino acid conservation, physicochemical variation, residue mobility, and thermodynamic stability) performed at Invitae indicates that this missense variant is not expected to disrupt CDC73 protein function with a negative predictive value of 80%. In summary, the available evidence is currently insufficient to determine the role of this variant in disease. Therefore, it has been classified as a Variant of Uncertain Significance.

Ambry Genetics
Classification: Uncertain significance for Hereditary cancer-predisposing syndrome. Last evaluated: 2024-05-24. Review status: criteria provided, single submitter. Criteria: Ambry Variant Classification Scheme 2023. Collection method: clinical testing. Allele origin: germline.
Comment: The p.I60V variant (also known as c.178A>G), located in coding exon 2 of the CDC73 gene, results from an A to G substitution at nucleotide position 178. The isoleucine at codon 60 is replaced by valine, an amino acid with highly similar properties. This amino acid position is highly conserved in available vertebrate species. In addition, the in silico prediction for this alteration is inconclusive. Based on the available evidence, the clinical significance of this variant remains unclear.

NM_024529.5(CDC73):c.178A>G (p.Ile60Val)

Gene: CDC73 (cell division cycle 73; plus strand). Cytogenetic location: 1q31.2.
Variant type: single nucleotide variant.
Coding change: c.178A>G on transcript NM_024529.5 (MANE Select); coding-DNA position 178, A replaced by G.
Protein change: p.Ile60Val; replaces isoleucine 60 with valine.
Molecular consequence: missense variant.
Genome position (GRCh38, 1-based): chr1:193,125,158, A>G. VCF-style: chr1-193125158-A-G. GRCh37 (hg19) VCF-style: chr1-193094288-A-G.
Other names: short protein forms I60V.
Identifiers: ClinVar variation 820075 (VCV000820075.8), dbSNP rs1572142567, ClinGen allele CA343973132.